The following is an entry in ClinVar:

NM_172250.3(MMAA):c.493A>T (p.Lys165Ter)

Gene: MMAA (metabolism of cobalamin associated A; plus strand). Cytogenetic location: 4q31.21.
Variant type: single nucleotide variant.
Coding change: c.493A>T on transcript NM_172250.3 (MANE Select); coding-DNA position 493, A replaced by T.
Protein change: p.Lys165Ter; replaces lysine 165 with a stop codon.
Molecular consequence: nonsense.
Genome position (GRCh38, 1-based): chr4:145,642,416, A>T. VCF-style: chr4-145642416-A-T. GRCh37 (hg19) VCF-style: chr4-146563568-A-T.
Other names: c.493A>T, p.Lys165Ter (NM_001375644.1); short protein forms K165*.
Identifiers: ClinVar variation 1726860 (VCV001726860.2), dbSNP rs2546337484, ClinGen allele CA358354896.
Genomic context (GRCh38, chr4:145,642,416, plus strand): 5'-ACCGTAGGATTGTCTGGGCCCCCTGGTGCTGGAAAATCAACATTTATAGAATATTTTGGA[A>T]AAATGCTTACTGAGAGAGGGCACAAATTATCTGTGCTAGCTGTGGACCCTTCTTCTTGTA-3'

ClinVar aggregate classification (germline): Likely pathogenic (1 of 4 stars; one submission).

Conditions:
Methylmalonic aciduria, cblA type (MACA). Also called: Methylmalonic aciduria, vitamin B12-responsive; Methylmalonic aciduria, vitamin b12-responsive, due to defect in synthesis of adenosylcobalamin, cbla complementation type; MMA cbl A type; Methylmalonic acidemia cblA type; Vitamin B12-responsive methylmalonic acidemia type cblA. Identifiers: Orphanet 28, Orphanet 79310, MedGen C1855109, MONDO:0009613, OMIM 251100.

Submission:

Myriad Genetics, Inc.
Classification: Likely pathogenic for Methylmalonic aciduria, cblA type. Last evaluated: 2022-01-02. Review status: criteria provided, single submitter. Criteria: Myriad Women's Health Autosomal Recessive and X-Linked Classification Criteria (2021). Collection method: clinical testing. Allele origin: unknown.
Comment: NM_172250.2(MMAA):c.493A>T(K165*) is expected to be pathogenic in the context of methylmalonic acidemia, cblA type. This variant is predicted to lead to an abnormal or absent protein product due to the creation of a premature termination codon in MMAA, a gene where loss-of-function variants are known to be pathogenic. Please note: this variant was assessed in the context of healthy population screening.